The following is an entry in ClinVar:

NM_000016.6(ACADM):c.984G>C (p.Met328Ile)

Gene: ACADM (acyl-CoA dehydrogenase medium chain; plus strand). Cytogenetic location: 1p31.1.
Variant type: single nucleotide variant.
Coding change: c.984G>C on transcript NM_000016.6 (MANE Select); coding-DNA position 984, G replaced by C.
Protein change: p.Met328Ile; replaces methionine 328 with isoleucine.
Molecular consequence: missense variant.
Genome position (GRCh38, 1-based): chr1:75,761,160, G>C. VCF-style: chr1-75761160-G-C. GRCh37 (hg19) VCF-style: chr1-76226845-G-C.
Other names: c.996G>C, p.Met332Ile (NM_001127328.3); c.876G>C, p.Met292Ile (NM_001286042.2); c.1083G>C, p.Met361Ile (NM_001286043.2); c.417G>C, p.Met139Ile (NM_001286044.2); short protein forms M139I, M292I, M328I, M332I, M361I.
Identifiers: ClinVar variation 4847884 (VCV004847884.1).

ClinVar aggregate classification (germline): Uncertain significance (1 of 4 stars; one submission).

Submission:

Women's Health and Genetics/Laboratory Corporation of America, LabCorp
Classification: Uncertain significance. Last evaluated: 2026-02-11. Review status: criteria provided, single submitter. Criteria: LabCorp Variant Classification Summary - May 2015. Collection method: clinical testing. Allele origin: germline.
Comment: Variant summary: ACADM c.984G>C (p.Met328Ile) results in a conservative amino acid change in the encoded protein sequence. Algorithms developed to predict the effect of missense changes on protein structure and function are either unavailable or do not agree on the potential impact of this missense change. The variant was absent in 251374 control chromosomes. The available data on variant occurrences in the general population are insufficient to allow any conclusion about variant significance. To our knowledge, no occurrence of c.984G>C in individuals affected with ACADM-related conditions and no experimental evidence demonstrating its impact on protein function have been reported. No submitters have cited clinical-significance assessments for this variant to ClinVar. Based on the evidence outlined above, the variant was classified as uncertain significance.